The following is an entry in ClinVar:

ClinVar aggregate classification (germline): Uncertain significance. Review status: criteria provided, multiple submitters, no conflicts (2 of 4 stars). 2 submissions from 2 submitters: Uncertain significance (2). Last evaluated 2025-12-10.

Conditions:
Hereditary cancer-predisposing syndrome. Also called: Tumor predisposition; Neoplastic Syndromes, Hereditary; Hereditary neoplastic syndrome; Hereditary Cancer Syndrome. Identifiers: Orphanet 140162, MedGen C0027672, MeSH D009386, MONDO:0015356.
Tumor predisposition syndrome 3 (TPDS3). Also called: Melanoma, cutaneous malignant, susceptibility to, 10; LONG TELOMERE SYNDROME, POT1-RELATED; POT1 Tumor Predisposition; Glioma susceptibility 9. Identifiers: Orphanet 618, MedGen C4014476, MONDO:0014368, OMIM 615848.

Allele frequency attached by ClinVar (database versions not stated): gnomAD exomes below 0.00001; TOPMed below 0.00001; gnomAD 0.00001.
gnomAD v4.1: 2 of 1,609,034 alleles (0.00012%); highest among the groups gnomAD compares: Non-Finnish European, 0.00017%; no homozygotes.

Submissions (2):

Labcorp Genetics (formerly Invitae), Labcorp
Classification: Uncertain significance for Tumor predisposition syndrome 3. Last evaluated: 2025-12-10. Review status: criteria provided, single submitter. Criteria: Invitae Variant Classification Sherloc (09022015). Collection method: clinical testing. Allele origin: germline.
Comment: This sequence change affects codon 182 of the POT1 mRNA. It is a 'silent' change, meaning that it does not change the encoded amino acid sequence of the POT1 protein. This variant also falls at the last nucleotide of exon 8, which is part of the consensus splice site for this exon. This variant is not present in population databases (gnomAD no frequency). This variant has not been reported in the literature in individuals affected with POT1-related conditions. ClinVar contains an entry for this variant (Variation ID: 573500). Variants that disrupt the consensus splice site are a relatively common cause of aberrant splicing (PMID: 17576681, 9536098). Algorithms developed to predict the effect of sequence changes on RNA splicing suggest that this variant may disrupt the consensus splice site. In summary, the available evidence is currently insufficient to determine the role of this variant in disease. Therefore, it has been classified as a Variant of Uncertain Significance.

Ambry Genetics
Classification: Uncertain significance for Hereditary cancer-predisposing syndrome. Last evaluated: 2021-12-18. Review status: criteria provided, single submitter. Criteria: Ambry Variant Classification Scheme 2023. Collection method: clinical testing. Allele origin: germline.
Comment: The c.546G>A variant (also known as p.K182K), located in coding exon 4 of the POT1 gene, results from a G to A substitution at nucleotide position 546. This nucleotide substitution does not change the at codon 182. However, this change occurs in the last base pair of coding exon 4, which makes it likely to have some effect on normal mRNA splicing. This nucleotide position is highly conserved in available vertebrate species. In silico splice site analysis predicts that this alteration will weaken the native splice donor site; however, direct evidence is insufficient at this time (Ambry internal data). Since supporting evidence is limited at this time, the clinical significance of this alteration remains unclear.

Literature cited by the submitters: PubMed 17576681 (cited by Labcorp Genetics (formerly Invitae), Labcorp); PubMed 9536098 (cited by Labcorp Genetics (formerly Invitae), Labcorp).

NM_015450.3(POT1):c.546G>A (p.Lys182=)

Gene: POT1 (protection of telomeres 1; minus strand). Cytogenetic location: 7q31.33.
Variant type: single nucleotide variant.
Coding change: c.546G>A on transcript NM_015450.3 (MANE Select); coding-DNA position 546, G replaced by A.
Protein change: p.Lys182=; no amino-acid change (lysine 182 retained).
Molecular consequence: synonymous variant. On other transcripts: non-coding transcript variant (3).
Genome position (GRCh38, 1-based): chr7:124,863,350, C>T on the plus strand (G>A on the coding strand, the complement: POT1 is on the minus strand). VCF-style: chr7-124863350-C-T. GRCh37 (hg19) VCF-style: chr7-124503404-C-T.
Other names: c.153G>A, p.Lys51= (NM_001042594.2).
Identifiers: ClinVar variation 573500 (VCV000573500.9), dbSNP rs1280084769, ClinGen allele CA457507336.